The following is an entry in ClinVar:

NC_000017.10:g.(?_41242955)_(41276119_?)dup

Gene: BRCA1 (BRCA1 DNA repair associated; minus strand). Cytogenetic location: 17q21.31.
Variant type: Duplication.
Identifiers: ClinVar variation 1020506 (VCV001020506.3).

ClinVar aggregate classification (germline): Uncertain significance (1 of 4 stars; one submission).

Conditions:
Hereditary breast ovarian cancer syndrome. Also called: BRCA1- and BRCA2-Associated Hereditary Breast and Ovarian Cancer; Hereditary breast and/or ovarian cancer syndrome; Hereditary breast and ovarian cancer syndrome; Hereditary breast and ovarian cancer; Hereditary breast and ovarian cancer syndrome (HBOC); Breast and ovarian cancer. Identifiers: Orphanet 145, MedGen C0677776, MeSH D061325, MONDO:0003582. Disease mechanism: loss of function.

Submission:

Labcorp Genetics (formerly Invitae), Labcorp
Classification: Uncertain significance for Hereditary breast ovarian cancer syndrome. Last evaluated: 2018-03-04. Review status: criteria provided, single submitter. Criteria: Invitae Variant Classification Sherloc (09022015). Collection method: clinical testing. Allele origin: germline.
Comment: This variant is a gross duplication of the genomic region encompassing exons 2-11 of the BRCA1 gene. The 5' end of this event is unknown as it extends beyond the assayed region for this gene and therefore may encompass additional genes. The 3' boundary is likely confined to intron 11 of the BRCA1 gene. The exact location of this variant in the genome is unknown. This variant has not been reported in the literature in individuals with BRCA1-related disease. In summary, the available evidence is currently insufficient to determine the role of this variant in disease. Therefore, it has been classified as a Variant of Uncertain Significance.